The following is an entry in ClinVar:

NM_001191061.2(SLC25A22):c.813_814del (p.Ala272fs)

Gene: SLC25A22 (solute carrier family 25 member 22; minus strand). Cytogenetic location: 11p15.5.
Variant type: Microsatellite.
Coding change: c.813_814del on transcript NM_001191061.2 (MANE Select); coding-DNA positions 813 to 814, 2 bases deleted (TG; older notation c.813_814delTG).
Protein change: p.Ala272fs; shifts the reading frame from alanine 272.
Molecular consequence: frameshift variant.
Genome position (GRCh38, 1-based): chr11:792,146-792,147, CA deleted on the plus strand (TG on the coding strand, the reverse complement: SLC25A22 is on the minus strand); deleting any 2 consecutive bases within chr11:792,146-792,149 gives the same sequence; the c. name uses the placement nearest the transcript's 3' end. VCF-style (leftmost placement, unchanged base first): chr11-792145-GCA-G. GRCh37 (hg19) VCF-style: chr11-792145-GCA-G.
Other names: p.(Ala272Glnfs*144); c.813_814del, p.Ala272fs (NM_001191060.2, NM_024698.6); short protein forms A272fs.
Identifiers: ClinVar variation 618891 (VCV000618891.6), dbSNP rs1565035177, ClinGen allele CA913190225.
Genomic context (GRCh38, chr11:792,145, plus strand): 5'-AAAGGGTCAGCCCGGTACGCAGGCCCCCAGGCCCCACCCGCCGTGGGACCTCCCCACCTG[GCA>G]CAGTCCAGGATCCCAGAGTAGGTGTCCTCGTTGACGCCTCGCTGAAGTGACTGGAGCCGC-3'

ClinVar aggregate classification (germline): Pathogenic (1 of 4 stars; one submission).

Conditions:
Early Myoclonic Encephalopathy. Identifiers: MedGen C0270855.

Submission:

Medical Genetic Team, CHRU Montpellier
Classification: Pathogenic for Developmental and epileptic encephalopathy, 3. Last evaluated: 2016-11-21. Review status: criteria provided, single submitter. Criteria: ACMG Guidelines, 2015. Collection method: clinical testing, in vitro. Allele origin: maternal, not applicable. Inheritance: Autosomal recessive inheritance. Affected: yes. Observed: 3 compound heterozygotes. Clinical features observed: Global developmental delay (HP:0001263), Infantile encephalopathy (HP:0007105), Seizure (HP:0001250). Functional consequence: termination codon change.
Comment: The p.(Ala272Glnfs*144) variant in SLC25A22 has been found in 3 patients (in the same family), in trans with another variant (p.(Arg273Lys)), classified pathogenic according to ACMG criteria, and was absent from gnomAD database. Additionally, functional study in skin fibroblasts showed a glutamate metabolic dysfunction.